The following is an entry in ClinVar:

ClinVar aggregate classification (germline): Uncertain significance (1 of 4 stars; one submission).

Conditions:
Spondyloepiphyseal dysplasia with congenital joint dislocations (SEDCJD). Also called: Chondrodysplasia with Congenital Joint Dislocations, CHST3-Related. Identifiers: Orphanet 263463, MedGen C1837657, MONDO:0007738, OMIM 143095.

gnomAD v4.1: 2 of 1,551,162 alleles (0.00013%); highest among the groups gnomAD compares: Middle Eastern, 0.018%; no homozygotes.

Submission:

Labcorp Genetics (formerly Invitae), Labcorp
Classification: Uncertain significance for Spondyloepiphyseal dysplasia with congenital joint dislocations. Last evaluated: 2022-05-28. Review status: criteria provided, single submitter. Criteria: Invitae Variant Classification Sherloc (09022015). Collection method: clinical testing. Allele origin: germline.
Comment: This sequence change replaces glycine, which is neutral and non-polar, with aspartic acid, which is acidic and polar, at codon 390 of the CHST3 protein (p.Gly390Asp). This variant is not present in population databases (gnomAD no frequency). This variant has not been reported in the literature in individuals affected with CHST3-related conditions. Algorithms developed to predict the effect of missense changes on protein structure and function (SIFT, PolyPhen-2, Align-GVGD) all suggest that this variant is likely to be disruptive. In summary, the available evidence is currently insufficient to determine the role of this variant in disease. Therefore, it has been classified as a Variant of Uncertain Significance.

NM_004273.5(CHST3):c.1169G>A (p.Gly390Asp)

Gene: CHST3 (carbohydrate sulfotransferase 3; plus strand). Cytogenetic location: 10q22.1.
Variant type: single nucleotide variant.
Coding change: c.1169G>A on transcript NM_004273.5 (MANE Select); coding-DNA position 1169, G replaced by A.
Protein change: p.Gly390Asp; replaces glycine 390 with aspartic acid.
Molecular consequence: missense variant.
Genome position (GRCh38, 1-based): chr10:72,008,200, G>A. VCF-style: chr10-72008200-G-A. GRCh37 (hg19) VCF-style: chr10-73767958-G-A.
Other names: short protein forms G390D.
Identifiers: ClinVar variation 1920312 (VCV001920312.5), dbSNP rs1035424190, ClinGen allele CA377151506.